The following is an entry in ClinVar:

NM_002432.3(MNDA):c.135A>C (p.Arg45Ser)

Gene: MNDA (myeloid cell nuclear differentiation antigen; plus strand). Cytogenetic location: 1q23.1.
Variant type: single nucleotide variant.
Coding change: c.135A>C on transcript NM_002432.3 (MANE Select); coding-DNA position 135, A replaced by C.
Protein change: p.Arg45Ser; replaces arginine 45 with serine.
Molecular consequence: missense variant.
Genome position (GRCh38, 1-based): chr1:158,842,288, A>C. VCF-style: chr1-158842288-A-C. GRCh37 (hg19) VCF-style: chr1-158812078-A-C.
Other names: short protein forms R45S.
Identifiers: ClinVar variation 2563153 (VCV002563153.2), dbSNP rs2526075071, ClinGen allele CA343036851.

ClinVar aggregate classification (germline): Uncertain significance (1 of 4 stars; one submission).

Submission:

Ambry Genetics
Classification: Uncertain significance. Last evaluated: 2023-05-25. Review status: criteria provided, single submitter. Criteria: Ambry Variant Classification Scheme 2023. Collection method: clinical testing. Allele origin: germline.
Comment: The p.R45S variant (also known as c.135A>C), located in coding exon 1 of the MNDA gene, results from an A to C substitution at nucleotide position 135. The arginine at codon 45 is replaced by serine, an amino acid with dissimilar properties. This amino acid position is conserved. In addition, this alteration is predicted to be tolerated by in silico analysis. Since supporting evidence is limited at this time, the clinical significance of this alteration remains unclear.